The following is an entry in ClinVar:

NM_004360.5(CDH1):c.1493A>T (p.Asp498Val)

Gene: CDH1 (cadherin 1; plus strand). Cytogenetic location: 16q22.1.
Variant type: single nucleotide variant.
Coding change: c.1493A>T on transcript NM_004360.5 (MANE Select); coding-DNA position 1493, A replaced by T.
Protein change: p.Asp498Val; replaces aspartic acid 498 with valine.
Molecular consequence: missense variant. On other transcripts: 5 prime UTR variant (2).
Genome position (GRCh38, 1-based): chr16:68,815,687, A>T. VCF-style: chr16-68815687-A-T. GRCh37 (hg19) VCF-style: chr16-68849590-A-T.
Other names: c.1310A>T, p.Asp437Val (NM_001317184.2); c.-56A>T (NM_001317185.2); c.-327A>T (NM_001317186.2); short protein forms D437V, D498V.
Identifiers: ClinVar variation 3224147 (VCV003224147.1), dbSNP rs876661065, ClinGen allele CA396463223.

ClinVar aggregate classification (germline): Uncertain significance (1 of 4 stars; one submission).

Conditions:
Hereditary cancer-predisposing syndrome. Also called: Tumor predisposition; Hereditary neoplastic syndrome; Hereditary Cancer Syndrome; Neoplastic Syndromes, Hereditary. Identifiers: Orphanet 140162, MedGen C0027672, MeSH D009386, MONDO:0015356.

Submission:

Ambry Genetics
Classification: Uncertain significance for Hereditary cancer-predisposing syndrome. Last evaluated: 2023-12-08. Review status: criteria provided, single submitter. Criteria: Ambry Variant Classification Scheme 2023. Collection method: clinical testing. Allele origin: germline.
Comment: The p.D498V variant (also known as c.1493A>T), located in coding exon 10 of the CDH1 gene, results from an A to T substitution at nucleotide position 1493. The aspartic acid at codon 498 is replaced by valine, an amino acid with highly dissimilar properties. This amino acid position is conserved. In addition, this alteration is predicted to be deleterious by in silico analysis. Since supporting evidence is limited at this time, the clinical significance of this alteration remains unclear.